The following is an entry in ClinVar:

NM_004408.4(DNM1):c.2535-1654G>A

Gene: DNM1 (dynamin 1; plus strand). Cytogenetic location: 9q34.11.
Variant type: single nucleotide variant.
Coding change: c.2535-1654G>A on transcript NM_004408.4 (MANE Select); 1654 bases into the intron before coding-DNA position 2535, G replaced by A.
Molecular consequence: intron variant.
Genome position (GRCh38, 1-based): chr9:128,253,000, G>A. VCF-style: chr9-128253000-G-A. GRCh37 (hg19) VCF-style: chr9-131015279-G-A.
Other names: c.2535-101G>A (NM_001005336.3, NM_001288738.2, NM_001288737.2); c.2535-1654G>A (NM_001288739.2).
Identifiers: ClinVar variation 679309 (VCV000679309.4), dbSNP rs2267958, ClinGen allele CA13020676.

ClinVar aggregate classification (germline): Benign. Review status: criteria provided, multiple submitters, no conflicts (2 of 4 stars). 3 submissions from 3 submitters: Benign (3). Last evaluated 2024-07-15.

Allele frequency attached by ClinVar (database versions not stated): 1000 Genomes Project 30x 0.37055; TOPMed 0.37302; gnomAD 0.37473 and 0.38378; 1000 Genomes Project 0.37760; gnomAD exomes 0.49046.
gnomAD v4.1: 537,943 of 1,131,364 alleles (48%); highest among the groups gnomAD compares: South Asian, 52%; 134,410 homozygotes.

Submissions (3):

Unidad de Genómica Garrahan, Hospital de Pediatría Garrahan
Classification: Benign. Last evaluated: 2024-07-15. Review status: criteria provided, single submitter. Criteria: ACMG Guidelines, 2015. Collection method: clinical testing. Allele origin: germline. Affected: no. Observed: 70 variant alleles.
Comment: This variant is classified as Benign based on local population frequency. This variant was detected in 75% of patients studied in a panel designed for Epileptic and Developmental Encephalopathy and Progressive Myoclonus Epilepsy. Number of patients: 70. Only high quality variants are reported.

GeneDx
Classification: Benign. Last evaluated: 2018-06-14. Review status: criteria provided, single submitter. Criteria: GeneDx Variant Classification (06012015). Collection method: clinical testing. Allele origin: germline. Affected: yes.
Comment: This variant is considered likely benign or benign based on one or more of the following criteria: it is a conservative change, it occurs at a poorly conserved position in the protein, it is predicted to be benign by multiple in silico algorithms, and/or has population frequency not consistent with disease.

Breakthrough Genomics
Classification: Benign. Review status: criteria provided, single submitter. Criteria: ACMG Guidelines, 2015. Collection method: not provided. Allele origin: germline. Inheritance: Autosomal dominant inheritance. Affected: yes.